The following is an entry in ClinVar:

ClinVar aggregate classification (germline): Uncertain significance. Review status: criteria provided, multiple submitters, no conflicts (2 of 4 stars). 6 submissions from 6 submitters: Uncertain significance (5). 1 of the submissions does not count toward it. Last evaluated 2025-06-12.

Conditions:
NPHP4-related disorder. Also called: NPHP4-related condition; NPHP4-related disorders. Identifiers: MedGen CN239384.
Nephronophthisis. Also called: Juvenile Nephronophthisis. Identifiers: Orphanet 655, MedGen C0687120, MONDO:0019005, HP:0000090.
Senior-Loken syndrome 4 (SLSN4). Identifiers: Orphanet 3156, MedGen C1846979, MONDO:0011756, OMIM 606996.
Nephronophthisis 4 (NPHP4). Also called: NEPHRONOPHTHISIS 4, JUVENILE. Identifiers: Orphanet 655, MedGen C1847013, MONDO:0011752, OMIM 606966.

Allele frequency attached by ClinVar (database versions not stated): gnomAD exomes 0.00003 and 0.00006; ExAC 0.00007; ESP Exome Variant Server 0.00017; TOPMed 0.00026; gnomAD 0.00027 and 0.00028; 1000 Genomes Project 0.00040; 1000 Genomes Project 30x 0.00047.
gnomAD v4.1: 77 of 1,590,928 alleles (0.0048%); highest among the groups gnomAD compares: African/African-American, 0.1%; no homozygotes.

Submissions (6):

Labcorp Genetics (formerly Invitae), Labcorp
Classification: Uncertain significance for Nephronophthisis. Last evaluated: 2025-06-12. Review status: criteria provided, single submitter. Criteria: Invitae Variant Classification Sherloc (09022015). Collection method: clinical testing. Allele origin: germline.
Comment: This sequence change replaces serine, which is neutral and polar, with threonine, which is neutral and polar, at codon 429 of the NPHP4 protein (p.Ser429Thr). This variant is present in population databases (rs202199543, gnomAD 0.1%). This variant has not been reported in the literature in individuals affected with NPHP4-related conditions. ClinVar contains an entry for this variant (Variation ID: 501862). Invitae Evidence Modeling of protein sequence and biophysical properties (such as structural, functional, and spatial information, amino acid conservation, physicochemical variation, residue mobility, and thermodynamic stability) indicates that this missense variant is not expected to disrupt NPHP4 protein function with a negative predictive value of 80%. In summary, the available evidence is currently insufficient to determine the role of this variant in disease. Therefore, it has been classified as a Variant of Uncertain Significance.

Blueprint Genetics
Classification: Uncertain significance. Last evaluated: 2024-11-13. Review status: criteria provided, single submitter. Criteria: ACMG Guidelines, 2015. Collection method: clinical testing. Allele origin: germline.

Mayo Clinic Laboratories, Mayo Clinic
Classification: Uncertain significance. Last evaluated: 2023-08-25. Review status: criteria provided, single submitter. Criteria: ACMG Guidelines, 2015. Collection method: clinical testing. Allele origin: germline. Observed: 1 variant allele.
Comment: BP4, PM2_moderate

Fulgent Genetics
Classification: Uncertain significance for Nephronophthisis 4; Senior-Loken syndrome 4. Last evaluated: 2022-05-05. Review status: criteria provided, single submitter. Criteria: ACMG Guidelines, 2015. Collection method: clinical testing. Allele origin: unknown.

Eurofins Ntd Llc (ga)
Classification: Uncertain significance. Last evaluated: 2018-06-13. Review status: criteria provided, single submitter. Criteria: EGL ClinVar v180209 classification definitions. Collection method: clinical testing. Allele origin: germline. Observed: 3 variant alleles, 3 heterozygotes.

PreventionGenetics, part of Exact Sciences
Classification: Uncertain significance for NPHP4-related condition. Last evaluated: 2024-08-12. Review status: no assertion criteria provided. Collection method: clinical testing. Allele origin: germline. Not counted in ClinVar's aggregate classification.
Comment: The NPHP4 c.1286G>C variant is predicted to result in the amino acid substitution p.Ser429Thr. To our knowledge, this variant has not been reported in the literature. This variant is reported in 0.096% of alleles in individuals of African descent in gnomAD, which may be too common to be a primary cause of disease. Although we suspect that this variant may be benign, at this time, the clinical significance of this variant is uncertain due to the absence of conclusive functional and genetic evidence.

NM_015102.5(NPHP4):c.1286G>C (p.Ser429Thr)

Gene: NPHP4 (nephrocystin 4; minus strand). Cytogenetic location: 1p36.31.
Variant type: single nucleotide variant.
Coding change: c.1286G>C on transcript NM_015102.5 (MANE Select); coding-DNA position 1286, G replaced by C.
Protein change: p.Ser429Thr; replaces serine 429 with threonine.
Molecular consequence: missense variant. On other transcripts: 5 prime UTR variant (2), non-coding transcript variant (1).
Genome position (GRCh38, 1-based): chr1:5,933,163, C>G on the plus strand (G>C on the coding strand, the complement: NPHP4 is on the minus strand). VCF-style: chr1-5933163-C-G. GRCh37 (hg19) VCF-style: chr1-5993223-C-G.
Other names: p.Ser429Thr; c.1286G>C (NM_015102.4); c.-81G>C (NM_001291593.2, NM_001291594.2); short protein forms S429T.
Identifiers: ClinVar variation 501862 (VCV000501862.17), dbSNP rs202199543, ClinGen allele CA554579.